The following is an entry in ClinVar:

NM_000384.3(APOB):c.13414A>G (p.Thr4472Ala)

Gene: APOB (apolipoprotein B; minus strand). Cytogenetic location: 2p24.1.
Variant type: single nucleotide variant.
Coding change: c.13414A>G on transcript NM_000384.3 (MANE Select); coding-DNA position 13414, A replaced by G.
Protein change: p.Thr4472Ala; replaces threonine 4472 with alanine.
Molecular consequence: missense variant.
Genome position (GRCh38, 1-based): chr2:21,002,008, T>C on the plus strand (A>G on the coding strand, the complement: APOB is on the minus strand). VCF-style: chr2-21002008-T-C. GRCh37 (hg19) VCF-style: chr2-21224880-T-C.
Other names: short protein forms T4472A.
Identifiers: ClinVar variation 2451314 (VCV002451314.2), dbSNP rs2465347783, ClinGen allele CA345967459.
Genomic context (GRCh38, chr2:21,002,008, plus strand): 5'-GGTAATCAGAAATTATTTTCTTCGTCGCAATGGCCTGGCTTTTAATTATTTCCTGAGCAG[T>C]GGCAGAAAGCTCTGCAATCTTCTCTTTCCCTTTTCCATCTGGATCGGTAAGGATGCTAAG-3'
Protein context (NP_000375.3, residues 4462-4482): GKEKIAELSA[Thr4472Ala]AQEIIKSQAI

ClinVar aggregate classification (germline): Uncertain significance (1 of 4 stars; one submission).

Conditions:
Cardiovascular phenotype. Identifiers: MedGen CN230736.

Allele frequency attached by ClinVar (database versions not stated): gnomAD exomes below 0.00001.
gnomAD v4.1: 1 of 1,614,050 alleles (0.000062%); highest among the groups gnomAD compares: Non-Finnish European, 0.000085%; no homozygotes.

Submission:

Ambry Genetics
Classification: Uncertain significance for Cardiovascular phenotype. Last evaluated: 2023-01-25. Review status: criteria provided, single submitter. Criteria: Ambry Variant Classification Scheme 2023. Collection method: clinical testing. Allele origin: germline.
Comment: The p.T4472A variant (also known as c.13414A>G), located in coding exon 29 of the APOB gene, results from an A to G substitution at nucleotide position 13414. The threonine at codon 4472 is replaced by alanine, an amino acid with similar properties. This amino acid position is conserved. In addition, this alteration is predicted to be tolerated by in silico analysis. Since supporting evidence is limited at this time, the clinical significance of this alteration remains unclear.